The following is an entry in ClinVar:

ClinVar aggregate classification (germline): Uncertain significance (1 of 4 stars; one submission).

Submission:

Labcorp Genetics (formerly Invitae), Labcorp
Classification: Uncertain significance. Last evaluated: 2026-01-19. Review status: criteria provided, single submitter. Criteria: Invitae Variant Classification Sherloc (09022015). Collection method: clinical testing. Allele origin: germline.
Comment: This sequence change replaces aspartic acid, which is acidic and polar, with glycine, which is neutral and non-polar, at codon 480 of the PDE6C protein (p.Asp480Gly). This variant is not present in population databases (gnomAD no frequency). This variant has not been reported in the literature in individuals affected with PDE6C-related conditions. ClinVar contains an entry for this variant (Variation ID: 3613374). Invitae Evidence Modeling of protein sequence and biophysical properties (such as structural, functional, and spatial information, amino acid conservation, physicochemical variation, residue mobility, and thermodynamic stability) indicates that this missense variant is not expected to disrupt PDE6C protein function with a negative predictive value of 80%. In summary, the available evidence is currently insufficient to determine the role of this variant in disease. Therefore, it has been classified as a Variant of Uncertain Significance.

NM_006204.4(PDE6C):c.1439A>G (p.Asp480Gly)

Gene: PDE6C (phosphodiesterase 6C; plus strand). Cytogenetic location: 10q23.33.
Variant type: single nucleotide variant.
Coding change: c.1439A>G on transcript NM_006204.4 (MANE Select); coding-DNA position 1439, A replaced by G.
Protein change: p.Asp480Gly; replaces aspartic acid 480 with glycine.
Molecular consequence: missense variant.
Genome position (GRCh38, 1-based): chr10:93,637,020, A>G. VCF-style: chr10-93637020-A-G. GRCh37 (hg19) VCF-style: chr10-95396777-A-G.
Other names: short protein forms D480G.
Identifiers: ClinVar variation 3613374 (VCV003613374.2).